The following is an entry in ClinVar:

NM_012062.5(DNM1L):c.103-149A>G

Gene: DNM1L (dynamin 1 like; plus strand). Cytogenetic location: 12p11.21.
Variant type: single nucleotide variant.
Coding change: c.103-149A>G on transcript NM_012062.5 (MANE Select); 149 bases into the intron before coding-DNA position 103, A replaced by G.
Molecular consequence: intron variant.
Genome position (GRCh38, 1-based): chr12:32,701,266, A>G. VCF-style: chr12-32701266-A-G. GRCh37 (hg19) VCF-style: chr12-32854200-A-G.
Other names: c.103-149A>G (NM_001278464.2, NM_001278465.2, NM_001330380.2 and 3 more transcripts); c.-103-149A>G (NM_001278466.2).
Identifiers: ClinVar variation 676283 (VCV000676283.2), dbSNP rs11052192, ClinGen allele CA13585629.
Genomic context (GRCh38, chr12:32,701,266, plus strand): 5'-GCGGAGGTTGCAGTGAGCCGAGATCGTGCCATTGCACTCCAGCCTAGCCAACAAGAGCGA[A>G]ACTCCGTCTCAAAAAAAAAAAAAAATAGTCTCTGCACTAATTTTTCCTTTAAAATAATTC-3'

ClinVar aggregate classification (germline): Benign. Review status: criteria provided, multiple submitters, no conflicts (2 of 4 stars). 2 submissions from 2 submitters: Benign (2). Last evaluated 2018-06-14.

Allele frequency attached by ClinVar (database versions not stated): gnomAD exomes 0.12089; 1000 Genomes Project 0.12660; 1000 Genomes Project 30x 0.12851; gnomAD 0.14055 and 0.14353; TOPMed 0.14608.
gnomAD v4.1: 83,553 of 663,246 alleles (13%); highest among the groups gnomAD compares: African/African-American, 17%; 5,819 homozygotes.

Submissions (2):

GeneDx
Classification: Benign. Last evaluated: 2018-06-14. Review status: criteria provided, single submitter. Criteria: GeneDx Variant Classification (06012015). Collection method: clinical testing. Allele origin: germline. Affected: yes.
Comment: This variant is considered likely benign or benign based on one or more of the following criteria: it is a conservative change, it occurs at a poorly conserved position in the protein, it is predicted to be benign by multiple in silico algorithms, and/or has population frequency not consistent with disease.

Breakthrough Genomics
Classification: Benign. Review status: criteria provided, single submitter. Criteria: ACMG Guidelines, 2015. Collection method: not provided. Allele origin: germline. Inheritance: Autosomal recessive inheritance. Affected: yes.